The following is an entry in ClinVar:

ClinVar aggregate classification (germline): Likely pathogenic (1 of 4 stars; one submission).

Submission:

Labcorp Genetics (formerly Invitae), Labcorp
Classification: Likely pathogenic. Last evaluated: 2025-01-02. Review status: criteria provided, single submitter. Criteria: Invitae Variant Classification Sherloc (09022015). Collection method: clinical testing. Allele origin: germline.
Comment: This variant, c.983_994del, is a complex sequence change that results in the deletion of 5 and insertion of 1 amino acid(s) in the SERPING1 protein (p.Lys328_Val332delinsMet). This variant is not present in population databases (gnomAD no frequency). This variant has been observed in individual(s) with hereditary angioedema (internal data). In at least one individual the variant was observed to be de novo. This variant disrupts a region of the SERPING1 protein in which other variant(s) (p.Tyr330Asp) have been observed in individuals with SERPING1-related conditions (internal data). This suggests that this is a clinically significant region of the protein, and that variants that disrupt it are likely to be disease-causing. In summary, the currently available evidence indicates that the variant is pathogenic, but additional data are needed to prove that conclusively. Therefore, this variant has been classified as Likely Pathogenic.

NM_000062.3(SERPING1):c.983_994del (p.Lys328_Val332delinsMet)

Gene: SERPING1 (serpin family G member 1; plus strand). Cytogenetic location: 11q12.1.
Variant type: Deletion.
Coding change: c.983_994del on transcript NM_000062.3 (MANE Select); coding-DNA positions 983 to 994, 12 bases deleted (AGAAGTACCCTG).
Protein change: p.Lys328_Val332delinsMet.
Molecular consequence: inframe indel.
Genome position (GRCh38, 1-based): chr11:57,606,501-57,606,512, AGAAGTACCCTG deleted. VCF-style (leftmost placement, unchanged base first): chr11-57606500-AAGAAGTACCCTG-A. GRCh37 (hg19) VCF-style: chr11-57373973-AAGAAGTACCCTG-A.
Other names: c.983_994del, p.Lys328_Val332delinsMet (NM_001032295.2).
Identifiers: ClinVar variation 3657700 (VCV003657700.2).